The following is an entry in ClinVar:

ClinVar aggregate classification (germline): Uncertain significance. Review status: criteria provided, multiple submitters, no conflicts (2 of 4 stars). 2 submissions from 2 submitters: Uncertain significance (2). Last evaluated 2025-05-15.

Conditions:
Inborn genetic diseases. Identifiers: MedGen C0950123, MeSH D030342.
Fanconi anemia (FA). Also called: Fanconi's anemia. Identifiers: Orphanet 84, MedGen C0015625, MeSH D005199, MONDO:0019391.

Allele frequency attached by ClinVar (database versions not stated): gnomAD exomes below 0.00001.

Submissions (2):

Ambry Genetics
Classification: Uncertain significance for Inborn genetic diseases. Last evaluated: 2025-05-15. Review status: criteria provided, single submitter. Criteria: Ambry Variant Classification Scheme 2023. Collection method: clinical testing. Allele origin: germline.
Comment: The p.P32L variant (also known as c.95C>T), located in coding exon 1 of the FANCM gene, results from a C to T substitution at nucleotide position 95. The proline at codon 32 is replaced by leucine, an amino acid with similar properties. This amino acid position is conserved. In addition, this alteration is predicted to be tolerated by in silico analysis. Based on the available evidence, the clinical significance of this variant remains unclear.

Labcorp Genetics (formerly Invitae), Labcorp
Classification: Uncertain significance for Fanconi anemia. Last evaluated: 2022-08-24. Review status: criteria provided, single submitter. Criteria: Invitae Variant Classification Sherloc (09022015). Collection method: clinical testing. Allele origin: germline.
Comment: This variant has not been reported in the literature in individuals affected with FANCM-related conditions. This sequence change replaces proline, which is neutral and non-polar, with leucine, which is neutral and non-polar, at codon 32 of the FANCM protein (p.Pro32Leu). This variant is not present in population databases (gnomAD no frequency). Algorithms developed to predict the effect of missense changes on protein structure and function (SIFT, PolyPhen-2, Align-GVGD) all suggest that this variant is likely to be tolerated. In summary, the available evidence is currently insufficient to determine the role of this variant in disease. Therefore, it has been classified as a Variant of Uncertain Significance.

NM_020937.4(FANCM):c.95C>T (p.Pro32Leu)

Genes: FANCM (FA complementation group M; plus strand), LOC130055524 (ATAC-STARR-seq lymphoblastoid active region 8299; plus strand). Cytogenetic location: 14q21.2.
Variant type: single nucleotide variant.
Coding change: c.95C>T on transcript NM_020937.4 (MANE Select); coding-DNA position 95, C replaced by T.
Protein change: p.Pro32Leu; replaces proline 32 with leucine.
Molecular consequence: missense variant.
Genome position (GRCh38, 1-based): chr14:45,136,126, C>T. VCF-style: chr14-45136126-C-T. GRCh37 (hg19) VCF-style: chr14-45605329-C-T.
Other names: c.95C>T, p.Pro32Leu (NM_001308133.2, NM_001308134.2); short protein forms P32L.
Identifiers: ClinVar variation 1972142 (VCV001972142.6), dbSNP rs2503033212, ClinGen allele CA389586936.